The following is an entry in ClinVar:

ClinVar aggregate classification (germline): Uncertain significance (1 of 4 stars; one submission).

Submission:

Labcorp Genetics (formerly Invitae), Labcorp
Classification: Uncertain significance. Last evaluated: 2025-12-21. Review status: criteria provided, single submitter. Criteria: Invitae Variant Classification Sherloc (09022015). Collection method: clinical testing. Allele origin: germline.
Comment: This sequence change replaces phenylalanine, which is neutral and non-polar, with valine, which is neutral and non-polar, at codon 1767 of the TRRAP protein (p.Phe1767Val). This variant is not present in population databases (gnomAD no frequency). This variant has not been reported in the literature in individuals affected with TRRAP-related conditions. Invitae Evidence Modeling of protein sequence and biophysical properties (such as structural, functional, and spatial information, amino acid conservation, physicochemical variation, residue mobility, and thermodynamic stability) indicates that this missense variant is expected to disrupt TRRAP protein function with a positive predictive value of 80%. In summary, the available evidence is currently insufficient to determine the role of this variant in disease. Therefore, it has been classified as a Variant of Uncertain Significance.

NM_001375524.1(TRRAP):c.5374T>G (p.Phe1792Val)

Gene: TRRAP (transformation/transcription domain associated protein; plus strand). Cytogenetic location: 7q22.1.
Variant type: single nucleotide variant.
Coding change: c.5374T>G on transcript NM_001375524.1 (MANE Select); coding-DNA position 5374, T replaced by G.
Protein change: p.Phe1792Val; replaces phenylalanine 1792 with valine.
Molecular consequence: missense variant.
Genome position (GRCh38, 1-based): chr7:98,950,915, T>G. VCF-style: chr7-98950915-T-G. GRCh37 (hg19) VCF-style: chr7-98548538-T-G.
Other names: c.5353T>G, p.Phe1785Val (NM_001244580.2); c.5299T>G, p.Phe1767Val (NM_003496.4); short protein forms F1767V, F1785V, F1792V.
Identifiers: ClinVar variation 4741122 (VCV004741122.1).